The following is an entry in ClinVar:

ClinVar aggregate classification (germline): Likely pathogenic (1 of 4 stars; one submission).

Submission:

GeneDx
Classification: Likely pathogenic. Last evaluated: 2023-07-31. Review status: criteria provided, single submitter. Criteria: GeneDx Variant Classification Process June 2021. Collection method: clinical testing. Allele origin: germline. Affected: yes.
Comment: Frameshift variant predicted to result in protein truncation or nonsense mediated decay in a gene for which loss of function is a known mechanism of disease; Has not been previously published as pathogenic or benign to our knowledge

NM_001282116.2(RFX3):c.937_938del (p.Val313fs)

Gene: RFX3 (regulatory factor X3; minus strand). Cytogenetic location: 9p24.2.
Variant type: Deletion.
Coding change: c.937_938del on transcript NM_001282116.2 (MANE Select); coding-DNA positions 937 to 938, 2 bases deleted (GT; older notation c.937_938delGT).
Protein change: p.Val313fs; shifts the reading frame from valine 313.
Molecular consequence: frameshift variant.
Genome position (GRCh38, 1-based): chr9:3,277,375-3,277,376, AC deleted on the plus strand (GT on the coding strand, the reverse complement: RFX3 is on the minus strand); deleting any 2 consecutive bases within chr9:3,277,375-3,277,377 gives the same sequence; the c. name uses the placement nearest the transcript's 3' end. VCF-style (leftmost placement, unchanged base first): chr9-3277374-TAC-T. GRCh37 (hg19) VCF-style: chr9-3277374-TAC-T.
Other names: c.937_938del, p.Val313fs (NM_001282117.2, NM_001377999.1, NM_002919.4 and 1 more transcripts); short protein forms V313fs.
Identifiers: ClinVar variation 1311522 (VCV001311522.3), dbSNP rs758554896, ClinGen allele CA4967279.